The following is an entry in ClinVar:

NC_000014.8:g.(?_68217749)_(68222882_?)del

Gene: ZFYVE26 (zinc finger FYVE-type containing 26; minus strand). Cytogenetic location: 14q24.1.
Variant type: Deletion.
Identifiers: ClinVar variation 2426143 (VCV002426143.4).

ClinVar aggregate classification (germline): Uncertain significance (1 of 4 stars; one submission).

Conditions:
Spastic paraplegia. Identifiers: MedGen C0037772, HP:0001258.

Submission:

Labcorp Genetics (formerly Invitae), Labcorp
Classification: Uncertain significance for Spastic paraplegia. Last evaluated: 2022-03-01. Review status: criteria provided, single submitter. Criteria: Invitae Variant Classification Sherloc (09022015). Collection method: clinical testing. Allele origin: germline.
Comment: In summary, the available evidence is currently insufficient to determine the role of this variant in disease. Therefore, it has been classified as a Variant of Uncertain Significance. This variant disrupts a region of the ZFYVE26 protein in which other variant(s) (p.Lys2248del) have been observed in individuals with ZFYVE26-related conditions (PMID: 24833714). This suggests that this is a clinically significant region of the protein, and that variants that disrupt it are likely to be disease-causing. A similar copy number variant has been observed in individual(s) with clinical features of hereditary spastic paraplegia (Invitae). This variant is a gross deletion of the genomic region encompassing exon(s) 36-41 of the ZFYVE26 gene. This variant would be expected to be in-frame, preserving the integrity of the reading frame.

Literature cited by the submitters: PubMed 24833714.